The following is an entry in ClinVar:

ClinVar aggregate classification (germline): Conflicting classifications of pathogenicity. Review status: criteria provided, conflicting classifications (1 of 4 stars). 2 submissions from 2 submitters: Uncertain significance (1); Likely benign (1). Last evaluated 2025-08-11.

Allele frequency attached by ClinVar (database versions not stated): ExAC 0.00008; ESP Exome Variant Server 0.00023; gnomAD 0.00036 and 0.00037; TOPMed 0.00044; 1000 Genomes Project 30x 0.00047; 1000 Genomes Project 0.00060; gnomAD exomes 0.00006.
gnomAD v4.1: 120 of 1,597,508 alleles (0.0075%); highest among the groups gnomAD compares: African/African-American, 0.15%; no homozygotes.

Submissions (2):

Labcorp Genetics (formerly Invitae), Labcorp
Classification: Likely benign. Last evaluated: 2025-08-11. Review status: criteria provided, single submitter. Criteria: Invitae Variant Classification Sherloc (09022015). Collection method: clinical testing. Allele origin: germline.

Women's Health and Genetics/Laboratory Corporation of America, LabCorp
Classification: Uncertain significance. Last evaluated: 2024-12-26. Review status: criteria provided, single submitter. Criteria: LabCorp Variant Classification Summary - May 2015. Collection method: clinical testing. Allele origin: germline.
Comment: Variant summary: SPTBN2 c.4594-7T>C alters a nucleotide located close to a canonical splice site and therefore could affect mRNA splicing, leading to a significantly altered protein sequence. Consensus agreement among computation tools predict no significant impact on normal splicing. However, these predictions have yet to be confirmed by functional studies. The variant allele was found at a frequency of 0.00011 in 261602 control chromosomes, predominantly at a frequency of 0.0011 within the African or African-American subpopulation in the gnomAD v4 database. This frequency is not significantly higher than estimated for a pathogenic variant in SPTBN2 causing Spinocerebellar Ataxia 5, allowing no conclusion about variant significance. To our knowledge, no occurrence of c.4594-7T>C in individuals affected with Spinocerebellar Ataxia 5 and no experimental evidence demonstrating its impact on protein function have been reported. ClinVar contains an entry for this variant (Variation ID: 723533). Based on the evidence outlined above, the variant was classified as uncertain significance.

NM_006946.4(SPTBN2):c.4594-7T>C

Gene: SPTBN2 (spectrin beta, non-erythrocytic 2; minus strand). Cytogenetic location: 11q13.2.
Variant type: single nucleotide variant.
Coding change: c.4594-7T>C on transcript NM_006946.4 (MANE Select); 7 bases into the intron before coding-DNA position 4594, T replaced by C.
Molecular consequence: intron variant.
Genome position (GRCh38, 1-based): chr11:66,693,453, A>G on the plus strand (T>C on the coding strand, the complement: SPTBN2 is on the minus strand). VCF-style: chr11-66693453-A-G. GRCh37 (hg19) VCF-style: chr11-66460924-A-G.
Identifiers: ClinVar variation 723533 (VCV000723533.10), dbSNP rs150454036, ClinGen allele CA6128517.
Genomic context (GRCh38, chr11:66,693,453, plus strand): 5'-CTCCCTCAGGTCCGCGATCCGGGGCTCATGGCCCTGAATCTCTTTCTGCAGGGTCTGCCC[A>G]TGGCCACAGAAGAGAAAATGCTGAAAGTCCTGCCCCAGCCCCACGTGCTCCCGGAGACCA-3'